The following is an entry in ClinVar:

ClinVar aggregate classification (germline): Likely benign. Review status: criteria provided, multiple submitters, no conflicts (2 of 4 stars). 4 submissions from 4 submitters: Likely benign (4). Last evaluated 2026-04-01.

Allele frequency attached by ClinVar (database versions not stated): ExAC 0.00002; gnomAD exomes 0.00002; TOPMed 0.00005; gnomAD 0.00006 and 0.00007; 1000 Genomes Project 30x 0.00016; 1000 Genomes Project 0.00020.
gnomAD v4.1: 100 of 1,613,370 alleles (0.0062%); highest among the groups gnomAD compares: East Asian, 0.011%; no homozygotes.

Submissions (4):

CeGaT Center for Human Genetics Tuebingen
Classification: Likely benign. Last evaluated: 2026-04-01. Review status: criteria provided, single submitter. Criteria: CeGaT Center For Human Genetics Tuebingen Variant Classification Criteria Version 2. Collection method: clinical testing. Allele origin: germline. Affected: yes. Observed: 3 variant alleles.
Comment: WFS1: BP4, BP7

Labcorp Genetics (formerly Invitae), Labcorp
Classification: Likely benign. Last evaluated: 2026-02-01. Review status: criteria provided, single submitter. Criteria: Invitae Variant Classification Sherloc (09022015). Collection method: clinical testing. Allele origin: germline.

Blueprint Genetics
Classification: Likely benign. Last evaluated: 2022-10-25. Review status: criteria provided, single submitter. Criteria: ACMG Guidelines, 2015. Collection method: clinical testing. Allele origin: germline.

GeneDx
Classification: Likely benign. Last evaluated: 2020-07-21. Review status: criteria provided, single submitter. Criteria: GeneDx Variant Classification Process June 2021. Collection method: clinical testing. Allele origin: germline. Affected: yes.

NM_006005.3(WFS1):c.588C>T (p.Ala196=)

Gene: WFS1 (wolframin ER transmembrane glycoprotein; plus strand). Cytogenetic location: 4p16.1.
Variant type: single nucleotide variant.
Coding change: c.588C>T on transcript NM_006005.3 (MANE Select); coding-DNA position 588, C replaced by T.
Protein change: p.Ala196=; no amino-acid change (alanine 196 retained).
Molecular consequence: synonymous variant.
Genome position (GRCh38, 1-based): chr4:6,291,324, C>T. VCF-style: chr4-6291324-C-T. GRCh37 (hg19) VCF-style: chr4-6293051-C-T.
Other names: c.588C>T, p.Ala196= (NM_001145853.1).
Identifiers: ClinVar variation 1198146 (VCV001198146.44), dbSNP rs544230639, ClinGen allele CA2838944.